The following is an entry in ClinVar:

ClinVar aggregate classification (germline): Pathogenic (1 of 4 stars; one submission).

Conditions:
Severe intellectual disability-progressive spastic diplegia syndrome (NEDSDV). Also called: NEURODEVELOPMENTAL DISORDER WITH SPASTIC DIPLEGIA AND VISUAL DEFECTS; CTNNB1 Neurodevelopmental Disorder. Identifiers: Orphanet 404473, MedGen C3554449, MONDO:0014035, OMIM 615075.

Submission:

MGZ Medical Genetics Center
Classification: Pathogenic for Severe intellectual disability-progressive spastic diplegia syndrome. Last evaluated: 2021-08-12. Review status: criteria provided, single submitter. Criteria: ACMG Guidelines, 2015. Collection method: clinical testing. Allele origin: germline. Affected: yes. Observed: 1 variant allele.
Comment: ACMG criteria applied: PVS1, PS2, PM2_SUP

NM_001904.4(CTNNB1):c.1185+1dup

Genes: CTNNB1 (catenin beta 1; plus strand), LOC126806659 (BRD4-independent group 4 enhancer GRCh37_chr3:41274918-41276117; plus strand). Cytogenetic location: 3p22.1.
Variant type: Duplication.
Coding change: c.1185+1dup on transcript NM_001904.4 (MANE Select); the canonical splice donor site of the intron after coding-DNA position 1185, one base duplicated (G; older notation c.1185+1dupG).
Molecular consequence: splice donor variant.
Genome position (GRCh38, 1-based): chr3:41,233,445, G duplicated; the last of 2 consecutive G bases (chr3:41,233,444-41,233,445); duplicating either gives the same sequence. VCF-style (leftmost placement, unchanged base first): chr3-41233443-A-AG. GRCh37 (hg19) VCF-style: chr3-41274934-A-AG.
Other names: c.1184_1185insG (NM_001904.4); c.1164+1dup (NM_001330729.2); c.1185+1dup (NM_001098209.2, NM_001098210.2).
Identifiers: ClinVar variation 1709877 (VCV001709877.2), dbSNP rs2470826359, ClinGen allele CA2580069813.